The following is an entry in ClinVar:

ClinVar aggregate classification (germline): Uncertain significance (1 of 4 stars; one submission).

Submission:

Labcorp Genetics (formerly Invitae), Labcorp
Classification: Uncertain significance. Last evaluated: 2022-06-13. Review status: criteria provided, single submitter. Criteria: Invitae Variant Classification Sherloc (09022015). Collection method: clinical testing. Allele origin: germline.
Comment: In summary, the available evidence is currently insufficient to determine the role of this variant in disease. Therefore, it has been classified as a Variant of Uncertain Significance. Experimental studies and prediction algorithms are not available or were not evaluated, and the functional significance of this variant is currently unknown. This variant has not been reported in the literature in individuals affected with SI-related conditions. This variant is not present in population databases (gnomAD no frequency). This variant, c.2861_2866del, results in the deletion of 2 amino acid(s) of the SI protein (p.Lys954_Cys955del), but otherwise preserves the integrity of the reading frame.

NM_001041.4(SI):c.2861_2866del (p.Lys954_Cys955del)

Gene: SI (sucrase-isomaltase; minus strand). Cytogenetic location: 3q26.1.
Variant type: Deletion.
Coding change: c.2861_2866del on transcript NM_001041.4 (MANE Select); coding-DNA positions 2861 to 2866, 6 bases deleted (AGTGCA; older notation c.2861_2866delAGTGCA).
Protein change: p.Lys954_Cys955del.
Molecular consequence: inframe deletion.
Genome position (GRCh38, 1-based): chr3:165,030,738-165,030,743, TGCACT deleted on the plus strand (AGTGCA on the coding strand, the reverse complement: SI is on the minus strand); deleting any 6 consecutive bases within chr3:165,030,738-165,030,744 gives the same sequence; the c. name uses the placement nearest the transcript's 3' end. VCF-style (leftmost placement, unchanged base first): chr3-165030737-GTGCACT-G. GRCh37 (hg19) VCF-style: chr3-164748525-GTGCACT-G.
Identifiers: ClinVar variation 1417035 (VCV001417035.6), dbSNP rs2108202371, ClinGen allele CA2573136672.